The following is an entry in ClinVar:

ClinVar aggregate classification (germline): Uncertain significance (1 of 4 stars; one submission).

Allele frequency attached by ClinVar (database versions not stated): gnomAD exomes below 0.00001.
gnomAD v4.1: 1 of 1,175,499 alleles (0.000085%); highest among the groups gnomAD compares: Non-Finnish European, 0.00012%; no homozygotes.

Submission:

CeGaT Center for Human Genetics Tuebingen
Classification: Uncertain significance. Last evaluated: 2024-01-01. Review status: criteria provided, single submitter. Criteria: CeGaT Center For Human Genetics Tuebingen Variant Classification Criteria Version 2. Collection method: clinical testing. Allele origin: germline. Affected: yes. Observed: 1 variant allele.
Comment: BRWD3: PM2, BP4

NM_153252.5(BRWD3):c.2232-4T>C

Gene: BRWD3 (bromodomain and WD repeat domain containing 3; minus strand). Cytogenetic location: Xq21.1.
Variant type: single nucleotide variant.
Coding change: c.2232-4T>C on transcript NM_153252.5 (MANE Select); 4 bases into the intron before coding-DNA position 2232, T replaced by C.
Molecular consequence: intron variant.
Genome position (GRCh38, 1-based): chrX:80,716,254, A>G on the plus strand (T>C on the coding strand, the complement: BRWD3 is on the minus strand). VCF-style: chrX-80716254-A-G. GRCh37 (hg19) VCF-style: chrX-79971753-A-G.
Identifiers: ClinVar variation 3026428 (VCV003026428.22), dbSNP rs2147743331, ClinGen allele CA2694173397.